The following is an entry in ClinVar:

NM_004304.5(ALK):c.3425C>T (p.Pro1142Leu)

Gene: ALK (ALK receptor tyrosine kinase; minus strand). Cytogenetic location: 2p23.2.
Variant type: single nucleotide variant.
Coding change: c.3425C>T on transcript NM_004304.5 (MANE Select); coding-DNA position 3425, C replaced by T.
Protein change: p.Pro1142Leu; replaces proline 1142 with leucine.
Molecular consequence: missense variant.
Genome position (GRCh38, 1-based): chr2:29,222,542, G>A on the plus strand (C>T on the coding strand, the complement: ALK is on the minus strand). VCF-style: chr2-29222542-G-A. GRCh37 (hg19) VCF-style: chr2-29445408-G-A.
Other names: c.221C>T, p.Pro74Leu (NM_001353765.2); short protein forms P1142L, P74L.
Identifiers: ClinVar variation 2566580 (VCV002566580.2), dbSNP rs2148169182, ClinGen allele CA346463709.
Genomic context (GRCh38, chr2:29,222,542, plus strand): 5'-GCCAAGGGCAGGCTCAAGAGTGAGCCACTTCTTACCTTCACAGCCACTTGCAGGGGGCTT[G>A]GGTCGTTGGGCATTCCGGACACCTGGCCTTCATACACCTCCCCAAAGGCGCCATGGCCCA-3'
Protein context (NP_004295.2, residues 1132-1152): EGQVSGMPND[Pro1142Leu]SPLQVAVKTL

ClinVar aggregate classification (germline): Uncertain significance (1 of 4 stars; one submission).

Conditions:
Hereditary cancer-predisposing syndrome. Also called: Hereditary neoplastic syndrome; Hereditary Cancer Syndrome; Neoplastic Syndromes, Hereditary; Tumor predisposition. Identifiers: Orphanet 140162, MedGen C0027672, MeSH D009386, MONDO:0015356.

Submission:

Ambry Genetics
Classification: Uncertain significance for Hereditary cancer-predisposing syndrome. Last evaluated: 2023-04-19. Review status: criteria provided, single submitter. Criteria: Ambry Variant Classification Scheme 2023. Collection method: clinical testing. Allele origin: germline.
Comment: The p.P1142L variant (also known as c.3425C>T), located in coding exon 21 of the ALK gene, results from a C to T substitution at nucleotide position 3425. The proline at codon 1142 is replaced by leucine, an amino acid with similar properties. This amino acid position is conserved. In addition, the in silico prediction for this alteration is inconclusive. Since supporting evidence is limited at this time, the clinical significance of this alteration remains unclear.